The following is an entry in ClinVar:

NM_000275.3(OCA2):c.914G>C (p.Arg305Pro)

Gene: OCA2 (OCA2 melanosomal transmembrane protein; minus strand). Cytogenetic location: 15q13.1.
Variant type: single nucleotide variant.
Coding change: c.914G>C on transcript NM_000275.3 (MANE Select); coding-DNA position 914, G replaced by C.
Protein change: p.Arg305Pro; replaces arginine 305 with proline.
Molecular consequence: missense variant.
Genome position (GRCh38, 1-based): chr15:28,014,906, C>G on the plus strand (G>C on the coding strand, the complement: OCA2 is on the minus strand). VCF-style: chr15-28014906-C-G. GRCh37 (hg19) VCF-style: chr15-28260052-C-G.
Other names: c.914G>C, p.Arg305Pro (NM_001300984.2); short protein forms R305P.
Identifiers: ClinVar variation 5019129 (VCV005019129.1).

ClinVar aggregate classification (germline): Uncertain significance (1 of 4 stars; one submission).

Conditions:
Tyrosinase-positive oculocutaneous albinism (OCA2). Also called: Albinism, oculocutaneous, type II; ALBINISM II; Oculocutaneous albinism type 2. Identifiers: Orphanet 79432, MedGen C0268495, MONDO:0008746, OMIM 203200.

Submission:

Juno Genomics, Hangzhou Juno Genomics, Inc
Classification: Uncertain significance for Tyrosinase-positive oculocutaneous albinism. Review status: criteria provided, single submitter. Criteria: ACMG Guidelines, 2015. Collection method: clinical testing. Allele origin: germline. Affected: yes.
Comment: Absent from controls (or at extremely low frequency if recessive) in Genome Aggregation Database.;For recessive disorders, detected in trans with a pathogenic variant.;Patient's phenotype or family history is highly specific for a disease with a single genetic etiology.